The following is an entry in ClinVar:

ClinVar aggregate classification (germline): Uncertain significance. Review status: criteria provided, multiple submitters, no conflicts (2 of 4 stars). 3 submissions from 3 submitters: Uncertain significance (3). Last evaluated 2024-05-13.

Conditions:
Bronchiectasis with or without elevated sweat chloride 1 (BESC1). Also called: Cystic Fibrosis-Like Syndrome. Identifiers: Orphanet 60033, MedGen C2749757, MONDO:0008887, OMIM 211400.
Pseudohypoaldosteronism, type IB2, autosomal recessive (PHA1B2). Identifiers: MedGen C5774255, MONDO:0859317, OMIM 620125.
Liddle syndrome 1 (LIDLS1). Also called: PSEUDOALDOSTERONISM. Identifiers: Orphanet 526, MedGen CN031472, MONDO:0020607, OMIM 177200.
Inborn genetic diseases. Identifiers: MedGen C0950123, MeSH D030342.

Allele frequency attached by ClinVar (database versions not stated): gnomAD 0.00001; ExAC 0.00002.
gnomAD v4.1: 32 of 1,612,680 alleles (0.002%); highest among the groups gnomAD compares: African/African-American, 0.019%; no homozygotes.

Submissions (3):

Fulgent Genetics
Classification: Uncertain significance for Liddle syndrome 1; Bronchiectasis with or without elevated sweat chloride 1; Pseudohypoaldosteronism, type IB2, autosomal recessive. Last evaluated: 2024-05-13. Review status: criteria provided, single submitter. Criteria: ACMG Guidelines, 2015. Collection method: clinical testing. Allele origin: germline.

Labcorp Genetics (formerly Invitae), Labcorp
Classification: Uncertain significance. Last evaluated: 2023-10-24. Review status: criteria provided, single submitter. Criteria: Invitae Variant Classification Sherloc (09022015). Collection method: clinical testing. Allele origin: germline.
Comment: This sequence change replaces valine, which is neutral and non-polar, with methionine, which is neutral and non-polar, at codon 3 of the SCNN1B protein (p.Val3Met). This variant is present in population databases (rs750974115, gnomAD 0.004%). This variant has not been reported in the literature in individuals affected with SCNN1B-related conditions. ClinVar contains an entry for this variant (Variation ID: 2354048). Algorithms developed to predict the effect of missense changes on protein structure and function output the following: SIFT: "Not Available"; PolyPhen-2: "Benign"; Align-GVGD: "Not Available". The methionine amino acid residue is found in multiple mammalian species, which suggests that this missense change does not adversely affect protein function. In summary, the available evidence is currently insufficient to determine the role of this variant in disease. Therefore, it has been classified as a Variant of Uncertain Significance.

Ambry Genetics
Classification: Uncertain significance for Inborn genetic diseases. Last evaluated: 2021-06-23. Review status: criteria provided, single submitter. Criteria: Ambry Variant Classification Scheme 2023. Collection method: clinical testing. Allele origin: germline.

NM_000336.3(SCNN1B):c.7G>A (p.Val3Met)

Gene: SCNN1B (sodium channel epithelial 1 subunit beta; plus strand). Cytogenetic location: 16p12.2.
Variant type: single nucleotide variant.
Coding change: c.7G>A on transcript NM_000336.3 (MANE Select); coding-DNA position 7, G replaced by A.
Protein change: p.Val3Met; replaces valine 3 with methionine.
Molecular consequence: missense variant.
Genome position (GRCh38, 1-based): chr16:23,348,606, G>A. VCF-style: chr16-23348606-G-A. GRCh37 (hg19) VCF-style: chr16-23359927-G-A.
Other names: c.7G>A, p.Val3Met (NM_001410900.1); short protein forms V3M.
Identifiers: ClinVar variation 2354048 (VCV002354048.6), dbSNP rs750974115, ClinGen allele CA7960049.